The following is an entry in ClinVar:

ClinVar aggregate classification (germline): Uncertain significance (1 of 4 stars; one submission).

Conditions:
Cardiovascular phenotype. Identifiers: MedGen CN230736.

Submission:

Ambry Genetics
Classification: Uncertain significance for Cardiovascular phenotype. Last evaluated: 2024-07-11. Review status: criteria provided, single submitter. Criteria: Ambry Variant Classification Scheme 2023. Collection method: clinical testing. Allele origin: germline.
Comment: The c.194_195delGCinsTT variant, located in coding exon 3 of the PRKAG2 gene, results from an in-frame deletion of GC and insertion of TT at nucleotide positions 194 to 195. This results in the substitution of the serine residue for an isoleucine residue at codon 65, an amino acid with dissimilar properties. This amino acid position is not well conserved in available vertebrate species. In addition, this alteration is predicted to be neutral by in silico analysis (Choi Y et al. PLoS ONE. 2012; 7(10):e46688). Based on the available evidence, the clinical significance of this variant remains unclear.

NM_016203.4(PRKAG2):c.194_195delinsTT (p.Ser65Ile)

Gene: PRKAG2 (protein kinase AMP-activated non-catalytic subunit gamma 2; minus strand). Cytogenetic location: 7q36.1.
Variant type: Indel.
Coding change: c.194_195delinsTT on transcript NM_016203.4 (MANE Select); coding-DNA positions 194 to 195, GC replaced by TT.
Protein change: p.Ser65Ile; replaces serine 65 with isoleucine.
Molecular consequence: missense variant. On other transcripts: intron variant (1).
Genome position (GRCh38, 1-based): chr7:151,781,423-151,781,424, GC replaced by AA on the plus strand (GC replaced by TT on the coding strand, the reverse complement: PRKAG2 is on the minus strand). VCF-style: chr7-151781423-GC-AA. GRCh37 (hg19) VCF-style: chr7-151478509-GC-AA.
Other names: c.62_63delinsTT, p.Ser21Ile (NM_001040633.2, NM_001407024.1, NM_001407026.1 and 2 more transcripts); c.194_195delinsTT, p.Ser65Ile (NM_001407021.1, NM_001407022.1, NM_001407023.1 and 2 more transcripts); c.148+32992_148+32993delinsTT (NM_001407032.1); short protein forms S21I, S65I.
Identifiers: ClinVar variation 3425022 (VCV003425022.1).